The following is an entry in ClinVar:

NM_006306.4(SMC1A):c.884G>A (p.Arg295Gln)

Gene: SMC1A (structural maintenance of chromosomes 1A; minus strand). Cytogenetic location: Xp11.22.
Variant type: single nucleotide variant.
Coding change: c.884G>A on transcript NM_006306.4 (MANE Select); coding-DNA position 884, G replaced by A.
Protein change: p.Arg295Gln; replaces arginine 295 with glutamine.
Molecular consequence: missense variant.
Genome position (GRCh38, 1-based): chrX:53,412,224, C>T on the plus strand (G>A on the coding strand, the complement: SMC1A is on the minus strand). VCF-style: chrX-53412224-C-T. GRCh37 (hg19) VCF-style: chrX-53439174-C-T.
Other names: c.818G>A, p.Arg273Gln (NM_001281463.1); short protein forms R273Q, R295Q.
Identifiers: ClinVar variation 3370955 (VCV003370955.1).

ClinVar aggregate classification (germline): Uncertain significance (1 of 4 stars; one submission).

Submission:

GeneDx
Classification: Uncertain significance. Last evaluated: 2024-03-12. Review status: criteria provided, single submitter. Criteria: GeneDx Variant Classification Process June 2021. Collection method: clinical testing. Allele origin: germline. Affected: yes.
Comment: Not observed at significant frequency in large population cohorts (gnomAD); Missense variants in this gene are a common cause of disease and they are underrepresented in the general population; In silico analysis supports that this missense variant has a deleterious effect on protein structure/function; Has not been previously published as pathogenic or benign to our knowledge